The following is an entry in ClinVar:

ClinVar aggregate classification (germline): Uncertain significance (1 of 4 stars; one submission).

Conditions:
Familial cancer of breast. Also called: hereditary breast carcinoma; BREAST CANCER, FAMILIAL; Hereditary breast cancer. Identifiers: Orphanet 227535, MedGen C0346153, MONDO:0016419, OMIM 114480. Disease mechanism: loss of function.

Submission:

Labcorp Genetics (formerly Invitae), Labcorp
Classification: Uncertain significance for Familial cancer of breast. Last evaluated: 2018-11-07. Review status: criteria provided, single submitter. Criteria: Invitae Variant Classification Sherloc (09022015). Collection method: clinical testing. Allele origin: germline.
Comment: This variant has not been reported in the literature in individuals with PALB2-related disease. In summary, the available evidence is currently insufficient to determine the role of this variant in disease. Therefore, it has been classified as a Variant of Uncertain Significance. Algorithms developed to predict the effect of missense changes on protein structure and function output the following: SIFT: "Tolerated"; PolyPhen-2: "Benign"; Align-GVGD: "Class C0". The serine amino acid residue is found in multiple mammalian species, suggesting that this missense change does not adversely affect protein function. These predictions have not been confirmed by published functional studies and their clinical significance is uncertain. This variant is not present in population databases (ExAC no frequency). This sequence change replaces asparagine with serine at codon 851 of the PALB2 protein (p.Asn851Ser). The asparagine residue is moderately conserved and there is a small physicochemical difference between asparagine and serine.

NM_024675.4(PALB2):c.2552A>G (p.Asn851Ser)

Gene: PALB2 (partner and localizer of BRCA2; minus strand). Cytogenetic location: 16p12.2.
Variant type: single nucleotide variant.
Coding change: c.2552A>G on transcript NM_024675.4 (MANE Select); coding-DNA position 2552, A replaced by G.
Protein change: p.Asn851Ser; replaces asparagine 851 with serine.
Molecular consequence: missense variant.
Genome position (GRCh38, 1-based): chr16:23,629,238, T>C on the plus strand (A>G on the coding strand, the complement: PALB2 is on the minus strand). VCF-style: chr16-23629238-T-C. GRCh37 (hg19) VCF-style: chr16-23640559-T-C.
Other names: short protein forms N851S.
Identifiers: ClinVar variation 643453 (VCV000643453.9), dbSNP rs1597088176, ClinGen allele CA395123766.